The following is an entry in ClinVar:

NM_006947.4(SRP72):c.818T>A (p.Ile273Asn)

Gene: SRP72 (signal recognition particle 72; plus strand). Cytogenetic location: 4q12.
Variant type: single nucleotide variant.
Coding change: c.818T>A on transcript NM_006947.4 (MANE Select); coding-DNA position 818, T replaced by A.
Protein change: p.Ile273Asn; replaces isoleucine 273 with asparagine.
Molecular consequence: missense variant. On other transcripts: non-coding transcript variant (1), intron variant (1).
Genome position (GRCh38, 1-based): chr4:56,478,642, T>A. VCF-style: chr4-56478642-T-A. GRCh37 (hg19) VCF-style: chr4-57344808-T-A.
Other names: c.642+1940T>A (NM_001267722.2); short protein forms I273N.
Identifiers: ClinVar variation 3801503 (VCV003801503.1).

ClinVar aggregate classification (germline): Uncertain significance (1 of 4 stars; one submission).

Submission:

Ambry Genetics
Classification: Uncertain significance. Last evaluated: 2025-02-26. Review status: criteria provided, single submitter. Criteria: Ambry Variant Classification Scheme 2023. Collection method: clinical testing. Allele origin: germline.
Comment: The p.I273N variant (also known as c.818T>A), located in coding exon 8 of the SRP72 gene, results from a T to A substitution at nucleotide position 818. The isoleucine at codon 273 is replaced by asparagine, an amino acid with dissimilar properties. This amino acid position is conserved. In addition, the in silico prediction for this alteration is inconclusive. Based on the available evidence, the clinical significance of this variant remains unclear.